The following is an entry in ClinVar:

ClinVar aggregate classification (germline): Pathogenic. Review status: criteria provided, multiple submitters, no conflicts (2 of 4 stars). 2 submissions from 2 submitters: Pathogenic (2). Last evaluated 2022-07-02.

Submissions (2):

Labcorp Genetics (formerly Invitae), Labcorp
Classification: Pathogenic. Last evaluated: 2022-07-02. Review status: criteria provided, single submitter. Criteria: Invitae Variant Classification Sherloc (09022015). Collection method: clinical testing. Allele origin: germline.
Comment: For these reasons, this variant has been classified as Pathogenic. This variant disrupts a region of the ARID1B protein in which other variant(s) (p.Arg2147Lysfs*45) have been determined to be pathogenic (PMID: 23906836). This suggests that this is a clinically significant region of the protein, and that variants that disrupt it are likely to be disease-causing. ClinVar contains an entry for this variant (Variation ID: 452143). This variant has not been reported in the literature in individuals affected with ARID1B-related conditions. This variant is not present in population databases (gnomAD no frequency). This sequence change creates a premature translational stop signal (p.Gln1908*) in the ARID1B gene. While this is not anticipated to result in nonsense mediated decay, it is expected to disrupt the last 342 amino acid(s) of the ARID1B protein.

GeneDx
Classification: Pathogenic. Last evaluated: 2017-09-25. Review status: criteria provided, single submitter. Criteria: GeneDx Variant Classification (06012015). Collection method: clinical testing. Allele origin: germline. Affected: yes.
Comment: The Q1908X variant in the ARID1B gene has not been reported previously as a pathogenic variant nor as a benign variant, to our knowledge. This variant is predicted to cause loss of normal protein function through protein truncation. The Q1908X variant is not observed in large population cohorts (Lek et al., 2016). We interpret Q1908X as a pathogenic variant.

Literature cited by the submitters: PubMed 23906836 (cited by Labcorp Genetics (formerly Invitae), Labcorp).

NM_001374828.1(ARID1B):c.6091C>T (p.Gln2031Ter)

Gene: ARID1B (AT-rich interaction domain 1B; plus strand). Cytogenetic location: 6q25.3.
Variant type: single nucleotide variant.
Coding change: c.6091C>T on transcript NM_001374828.1 (MANE Select); coding-DNA position 6091, C replaced by T.
Protein change: p.Gln2031Ter; replaces glutamine 2031 with a stop codon.
Molecular consequence: nonsense.
Genome position (GRCh38, 1-based): chr6:157,206,863, C>T. VCF-style: chr6-157206863-C-T. GRCh37 (hg19) VCF-style: chr6-157527997-C-T.
Other names: c.5722C>T, p.Gln1908Ter (NM_020732.3); c.3592C>T, p.Gln1198Ter (NM_001363725.2); c.5971C>T, p.Gln1991Ter (NM_001371656.1, NM_001374820.1); c.5932C>T, p.Gln1978Ter (NM_017519.3); short protein forms Q1908*, Q1198*, Q1978*, Q1991*, Q2031*.
Identifiers: ClinVar variation 452143 (VCV000452143.6), dbSNP rs1554237606, ClinGen allele CA366247518.